The following is an entry in ClinVar:

NM_001164508.2(NEB):c.5164A>T (p.Lys1722Ter)

Gene: NEB (nebulin; minus strand). Cytogenetic location: 2q23.3.
Variant type: single nucleotide variant.
Coding change: c.5164A>T on transcript NM_001164508.2 (MANE Select); coding-DNA position 5164, A replaced by T.
Protein change: p.Lys1722Ter; replaces lysine 1722 with a stop codon.
Molecular consequence: nonsense.
Genome position (GRCh38, 1-based): chr2:151,665,407, T>A on the plus strand (A>T on the coding strand, the complement: NEB is on the minus strand). VCF-style: chr2-151665407-T-A. GRCh37 (hg19) VCF-style: chr2-152521921-T-A.
Other names: c.5164A>T, p.Lys1722Ter (NM_001164507.2, NM_001271208.2, NM_004543.5); short protein forms K1722*.
Identifiers: ClinVar variation 1726833 (VCV001726833.2), dbSNP rs2552257814, ClinGen allele CA348812177.

ClinVar aggregate classification (germline): Likely pathogenic (1 of 4 stars; one submission).

Conditions:
Nemaline myopathy 2 (NEM2). Also called: Nemaline myopathy 2, autosomal recessive. Identifiers: MedGen C1850569, MONDO:0009725, OMIM 256030.

Submission:

Myriad Genetics, Inc.
Classification: Likely pathogenic for Nemaline myopathy 2. Last evaluated: 2022-01-02. Review status: criteria provided, single submitter. Criteria: Myriad Women's Health Autosomal Recessive and X-Linked Classification Criteria (2021). Collection method: clinical testing. Allele origin: unknown.
Comment: NM_001271208.1(NEB):c.5164A>T(K1722*) is expected to be pathogenic in the context of NEB-related nemaline myopathy. This variant is predicted to lead to an abnormal or absent protein product due to the creation of a premature termination codon in NEB, a gene where loss-of-function variants are known to be pathogenic. Please note: this variant was assessed in the context of healthy population screening.